The following is an entry in ClinVar:

ClinVar aggregate classification (germline): Uncertain significance (1 of 4 stars; one submission).

Conditions:
TP63-Related Spectrum Disorders.

Allele frequency attached by ClinVar (database versions not stated): TOPMed below 0.00001; gnomAD 0.00001; gnomAD exomes 0.00001.
gnomAD v4.1: 18 of 1,613,904 alleles (0.0011%); highest among the groups gnomAD compares: South Asian, 0.0033%; no homozygotes.

Submission:

Labcorp Genetics (formerly Invitae), Labcorp
Classification: Uncertain significance. Last evaluated: 2023-11-15. Review status: criteria provided, single submitter. Criteria: Invitae Variant Classification Sherloc (09022015). Collection method: clinical testing. Allele origin: germline.
Comment: This sequence change replaces arginine, which is basic and polar, with tryptophan, which is neutral and slightly polar, at codon 634 of the TP63 protein (p.Arg634Trp). This variant is present in population databases (no rsID available, gnomAD 0.007%). This variant has not been reported in the literature in individuals affected with TP63-related conditions. Advanced modeling of protein sequence and biophysical properties (such as structural, functional, and spatial information, amino acid conservation, physicochemical variation, residue mobility, and thermodynamic stability) has been performed at Invitae for this missense variant, however the output from this modeling did not meet the statistical confidence thresholds required to predict the impact of this variant on TP63 protein function. In summary, the available evidence is currently insufficient to determine the role of this variant in disease. Therefore, it has been classified as a Variant of Uncertain Significance.

NM_003722.5(TP63):c.1900C>T (p.Arg634Trp)

Gene: TP63 (tumor protein p63; plus strand). Cytogenetic location: 3q28.
Variant type: single nucleotide variant.
Coding change: c.1900C>T on transcript NM_003722.5 (MANE Select); coding-DNA position 1900, C replaced by T.
Protein change: p.Arg634Trp; replaces arginine 634 with tryptophan.
Molecular consequence: missense variant. On other transcripts: 3 prime UTR variant (6).
Genome position (GRCh38, 1-based): chr3:189,894,359, C>T. VCF-style: chr3-189894359-C-T. GRCh37 (hg19) VCF-style: chr3-189612148-C-T.
Other names: c.1618C>T, p.Arg540Trp (NM_001114980.2); c.*138C>T (NM_001114981.2, NM_001114978.2); c.*128C>T (NM_001329144.2, NM_001329145.2, NM_001329149.2 and 1 more transcripts); c.1363C>T, p.Arg455Trp (NM_001329146.2); c.1888C>T, p.Arg630Trp (NM_001329148.2); c.1894C>T, p.Arg632Trp (NM_001329964.2); short protein forms R455W, R540W, R632W, R634W, R630W.
Identifiers: ClinVar variation 2888757 (VCV002888757.2), dbSNP rs1283807013, ClinGen allele CA355751437.